The following is an entry in ClinVar:

NM_000083.3(CLCN1):c.749T>C (p.Met250Thr)

Gene: CLCN1 (chloride voltage-gated channel 1; plus strand). Cytogenetic location: 7q34.
Variant type: single nucleotide variant.
Coding change: c.749T>C on transcript NM_000083.3 (MANE Select); coding-DNA position 749, T replaced by C.
Protein change: p.Met250Thr; replaces methionine 250 with threonine.
Molecular consequence: missense variant. On other transcripts: non-coding transcript variant (1).
Genome position (GRCh38, 1-based): chr7:143,323,361, T>C. VCF-style: chr7-143323361-T-C. GRCh37 (hg19) VCF-style: chr7-143020454-T-C.
Other names: short protein forms M250T.
Identifiers: ClinVar variation 657602 (VCV000657602.3), dbSNP rs1586487813, ClinGen allele CA369686663.

ClinVar aggregate classification (germline): Uncertain significance (1 of 4 stars; one submission).

Conditions:
Congenital myotonia, autosomal dominant form (THD). Also called: THOMSEN DISEASE; Myotonia congenita autosomal dominant. Identifiers: Orphanet 614, MedGen C2936781, MONDO:0008055, OMIM 160800.
Congenital myotonia, autosomal recessive form. Also called: BECKER DISEASE; Becker Generalized Myotonia; myotonia congenita, autosomal recessive. Identifiers: Orphanet 614, MedGen C0751360, MONDO:0009715, OMIM 255700.

Submission:

Labcorp Genetics (formerly Invitae), Labcorp
Classification: Uncertain significance for Congenital myotonia, autosomal recessive form; Congenital myotonia, autosomal dominant form. Last evaluated: 2025-06-23. Review status: criteria provided, single submitter. Criteria: Invitae Variant Classification Sherloc (09022015). Collection method: clinical testing. Allele origin: germline.
Comment: This sequence change replaces methionine, which is neutral and non-polar, with threonine, which is neutral and polar, at codon 250 of the CLCN1 protein (p.Met250Thr). This variant is not present in population databases (gnomAD no frequency). This variant has not been reported in the literature in individuals affected with CLCN1-related conditions. ClinVar contains an entry for this variant (Variation ID: 657602). Invitae Evidence Modeling of protein sequence and biophysical properties (such as structural, functional, and spatial information, amino acid conservation, physicochemical variation, residue mobility, and thermodynamic stability) has been performed for this missense variant. However, the output from this modeling did not meet the statistical confidence thresholds required to predict the impact of this variant on CLCN1 protein function. In summary, the available evidence is currently insufficient to determine the role of this variant in disease. Therefore, it has been classified as a Variant of Uncertain Significance.